The following is an entry in ClinVar:

NM_001254.4(CDC6):c.660G>C (p.Lys220Asn)

Gene: CDC6 (cell division cycle 6; plus strand). Cytogenetic location: 17q21.2.
Variant type: single nucleotide variant.
Coding change: c.660G>C on transcript NM_001254.4 (MANE Select); coding-DNA position 660, G replaced by C.
Protein change: p.Lys220Asn; replaces lysine 220 with asparagine.
Molecular consequence: missense variant.
Genome position (GRCh38, 1-based): chr17:40,291,668, G>C. VCF-style: chr17-40291668-G-C. GRCh37 (hg19) VCF-style: chr17-38447920-G-C.
Other names: short protein forms K220N.
Identifiers: ClinVar variation 3020977 (VCV003020977.3), dbSNP rs754998763, ClinGen allele CA8541919.

ClinVar aggregate classification (germline): Uncertain significance (1 of 4 stars; one submission).

Allele frequency attached by ClinVar (database versions not stated): ExAC 0.00001; gnomAD 0.00001; gnomAD exomes 0.00001; TOPMed 0.00001.
gnomAD v4.1: 10 of 1,611,914 alleles (0.00062%); highest among the groups gnomAD compares: Non-Finnish European, 0.00085%; no homozygotes.

Submission:

Labcorp Genetics (formerly Invitae), Labcorp
Classification: Uncertain significance. Last evaluated: 2022-11-26. Review status: criteria provided, single submitter. Criteria: Invitae Variant Classification Sherloc (09022015). Collection method: clinical testing. Allele origin: germline.
Comment: This sequence change replaces lysine, which is basic and polar, with asparagine, which is neutral and polar, at codon 220 of the CDC6 protein (p.Lys220Asn). This variant also falls at the last nucleotide of exon 4, which is part of the consensus splice site for this exon. This variant is present in population databases (rs754998763, gnomAD 0.002%). This variant has not been reported in the literature in individuals affected with CDC6-related conditions. Algorithms developed to predict the effect of missense changes on protein structure and function are either unavailable or do not agree on the potential impact of this missense change (SIFT: "Tolerated"; PolyPhen-2: "Probably Damaging"; Align-GVGD: "Class C0"). Variants that disrupt the consensus splice site are a relatively common cause of aberrant splicing (PMID: 17576681, 9536098). Algorithms developed to predict the effect of sequence changes on RNA splicing suggest that this variant may disrupt the consensus splice site. In summary, the available evidence is currently insufficient to determine the role of this variant in disease. Therefore, it has been classified as a Variant of Uncertain Significance.

Literature cited by the submitters: PubMed 17576681; PubMed 9536098.